The following is an entry in ClinVar:

ClinVar aggregate classification (germline): Uncertain significance. Review status: criteria provided, multiple submitters, no conflicts (2 of 4 stars). 2 submissions from 2 submitters: Uncertain significance (2). Last evaluated 2024-05-29.

Submissions (2):

GeneDx
Classification: Uncertain significance. Last evaluated: 2024-05-29. Review status: criteria provided, single submitter. Criteria: GeneDx Variant Classification Process June 2021. Collection method: clinical testing. Allele origin: germline. Affected: yes.
Comment: Not observed at significant frequency in large population cohorts (gnomAD); In-frame insertion of three amino acid in a repetitive region with no known function; Has not been previously published as pathogenic or benign to our knowledge

Labcorp Genetics (formerly Invitae), Labcorp
Classification: Uncertain significance. Last evaluated: 2022-03-19. Review status: criteria provided, single submitter. Criteria: Invitae Variant Classification Sherloc (09022015). Collection method: clinical testing. Allele origin: germline.
Comment: This variant, c.66_74dup, results in the insertion of 3 amino acid(s) of the ZSWIM6 protein (p.Gly24_Gly26dup), but otherwise preserves the integrity of the reading frame. This variant is not present in population databases (gnomAD no frequency). This variant has not been reported in the literature in individuals affected with ZSWIM6-related conditions. Experimental studies and prediction algorithms are not available or were not evaluated, and the functional significance of this variant is currently unknown. In summary, the available evidence is currently insufficient to determine the role of this variant in disease. Therefore, it has been classified as a Variant of Uncertain Significance.

NM_020928.2(ZSWIM6):c.57CGG[9] (p.Gly24_Gly26dup)

Gene: ZSWIM6 (zinc finger SWIM-type containing 6; plus strand). Cytogenetic location: 5q12.1.
Variant type: Microsatellite.
Coding change: c.57CGG[9] on transcript NM_020928.2 (MANE Select); nine copies in a row of the 3-base unit CGG starting at c.57; the reference has six copies in a row; three copies, 9 bases duplicated; also written c.66_74dup.
Protein change: p.Gly24_Gly26dup.
Molecular consequence: inframe insertion.
Genome position (GRCh38, 1-based): chr5:61,332,338-61,332,346, CGGCGGCGG duplicated; duplicating any 9 consecutive bases within chr5:61,332,327-61,332,346 gives the same sequence; the position shown is the placement nearest the transcript's 3' end. VCF-style (leftmost placement, unchanged base first): chr5-61332326-G-GGGCGGCGGC. GRCh37 (hg19) VCF-style: chr5-60628153-G-GGGCGGCGGC.
Other names: c.66_74dup (NM_020928.1).
Identifiers: ClinVar variation 1493464 (VCV001493464.9), dbSNP rs565100893, ClinGen allele CA812781027.